The following is an entry in ClinVar:

NM_000268.4(NF2):c.602A>G (p.Asp201Gly)

Gene: NF2 (NF2, moesin-ezrin-radixin like (MERLIN) tumor suppressor; plus strand). Cytogenetic location: 22q12.2.
Variant type: single nucleotide variant.
Coding change: c.602A>G on transcript NM_000268.4 (MANE Select); coding-DNA position 602, A replaced by G.
Protein change: p.Asp201Gly; replaces aspartic acid 201 with glycine.
Molecular consequence: missense variant. On other transcripts: non-coding transcript variant (1), intron variant (1).
Genome position (GRCh38, 1-based): chr22:29,658,191, A>G. VCF-style: chr22-29658191-A-G. GRCh37 (hg19) VCF-style: chr22-30054180-A-G.
Other names: c.602A>G, p.Asp201Gly (NM_016418.5, NM_181825.3, NM_181832.3); c.476A>G, p.Asp159Gly (NM_181828.3); c.479A>G, p.Asp160Gly (NM_181829.3); c.353A>G, p.Asp118Gly (NM_181830.3, NM_181831.3); c.447+15906A>G (NM_181833.3); short protein forms D159G, D160G, D201G, D118G.
Identifiers: ClinVar variation 1039559 (VCV001039559.18), dbSNP rs1601618525, ClinGen allele CA411142965.

ClinVar aggregate classification (germline): Uncertain significance. Review status: criteria provided, multiple submitters, no conflicts (2 of 4 stars). 4 submissions from 4 submitters: Uncertain significance (4). Last evaluated 2024-07-25.

Conditions:
Neurofibromatosis, type 2 (SWNV). Also called: BILATERAL ACOUSTIC NEUROFIBROMATOSIS; NF2-Related Schwannomatosis; SCHWANNOMATOSIS, VESTIBULAR. Identifiers: Orphanet 637, MedGen C0027832, MONDO:0007039, OMIM 101000. Disease mechanism: loss of function.
Hereditary cancer-predisposing syndrome. Also called: Neoplastic Syndromes, Hereditary; Hereditary Cancer Syndrome; Hereditary neoplastic syndrome; Tumor predisposition. Identifiers: Orphanet 140162, MedGen C0027672, MeSH D009386, MONDO:0015356.

gnomAD v4.1: 5 of 1,614,088 alleles (0.00031%); highest among the groups gnomAD compares: African/African-American, 0.0027%; no homozygotes.

Submissions (4):

Labcorp Genetics (formerly Invitae), Labcorp
Classification: Uncertain significance for Neurofibromatosis, type 2. Last evaluated: 2024-07-25. Review status: criteria provided, single submitter. Criteria: Invitae Variant Classification Sherloc (09022015). Collection method: clinical testing. Allele origin: germline.
Comment: This sequence change replaces aspartic acid, which is acidic and polar, with glycine, which is neutral and non-polar, at codon 201 of the NF2 protein (p.Asp201Gly). This variant is not present in population databases (gnomAD no frequency). This variant has not been reported in the literature in individuals affected with NF2-related conditions. ClinVar contains an entry for this variant (Variation ID: 1039559). An algorithm developed to predict the effect of missense changes on protein structure and function (PolyPhen-2) suggests that this variant is likely to be disruptive. In summary, the available evidence is currently insufficient to determine the role of this variant in disease. Therefore, it has been classified as a Variant of Uncertain Significance.

Ambry Genetics
Classification: Uncertain significance for Hereditary cancer-predisposing syndrome. Last evaluated: 2023-12-01. Review status: criteria provided, single submitter. Criteria: Ambry Variant Classification Scheme 2023. Collection method: clinical testing. Allele origin: germline.
Comment: The p.D201G variant (also known as c.602A>G), located in coding exon 7 of the NF2 gene, results from an A to G substitution at nucleotide position 602. The aspartic acid at codon 201 is replaced by glycine, an amino acid with similar properties. This amino acid position is highly conserved in available vertebrate species. In addition, this alteration is predicted to be deleterious by in silico analysis. Since supporting evidence is limited at this time, the clinical significance of this alteration remains unclear.

GeneDx
Classification: Uncertain significance. Last evaluated: 2023-06-05. Review status: criteria provided, single submitter. Criteria: GeneDx Variant Classification Process June 2021. Collection method: clinical testing. Allele origin: germline. Affected: yes.
Comment: Not observed at significant frequency in large population cohorts (gnomAD); In silico analysis supports that this missense variant has a deleterious effect on protein structure/function; Has not been previously published as pathogenic or benign to our knowledge; This variant is associated with the following publications: (PMID: 11756419, 16324214)

All of Us Research Program, National Institutes of Health
Classification: Uncertain significance for Neurofibromatosis, type 2. Last evaluated: 2023-05-16. Review status: criteria provided, single submitter. Criteria: ACMG Guidelines, 2015. Collection method: clinical testing. Allele origin: germline. Inheritance: Autosomal dominant inheritance. Observed: 1 variant allele, 1 heterozygote.
Comment: This missense variant replaces aspartic acid with glycine at codon 201 of the NF2 protein. Computational prediction suggests that this variant may have deleterious impact on protein structure and function (internally defined REVEL score threshold >= 0.7, PMID: 27666373). To our knowledge, functional studies have not been reported for this variant. This variant has not been reported in individuals affected with NF2-related disorders in the literature. This variant has not been identified in the general population by the Genome Aggregation Database (gnomAD). The available evidence is insufficient to determine the role of this variant in disease conclusively. Therefore, this variant is classified as a Variant of Uncertain Significance.

This study involves interpretation of variants in research participants for the purpose of population health screening. Participant phenotype was not available at the time of variant classification. Additional details can be found in publication PMID: 35346344, PMCID: PMC8962531